The following is an entry in ClinVar:

NM_172351.3(CD46):c.2T>A (p.Met1Lys)

Genes: CD46 (CD46 molecule; plus strand), LOC129932405 (ATAC-STARR-seq lymphoblastoid active region 2449; plus strand). Cytogenetic location: 1q32.2.
Variant type: single nucleotide variant.
Coding change: c.2T>A on transcript NM_172351.3 (MANE Select); coding-DNA position 2, T replaced by A.
Protein change: p.Met1Lys; changes the start codon (methionine 1).
Molecular consequence: missense variant, initiator codon variant.
Genome position (GRCh38, 1-based): chr1:207,752,214, T>A. VCF-style: chr1-207752214-T-A. GRCh37 (hg19) VCF-style: chr1-207925559-T-A.
Other names: c.2T>A, p.Met1Lys (NM_002389.4, NM_153826.4, NM_172350.3 and 8 more transcripts); short protein forms M1K.
Identifiers: ClinVar variation 4291217 (VCV004291217.1).

ClinVar aggregate classification (germline): Likely pathogenic (1 of 4 stars; one submission).

Conditions:
Atypical hemolytic-uremic syndrome. Identifiers: Orphanet 2134, MedGen C2931788, MONDO:0016244.

Submission:

Genomenon, Inc
Classification: Likely pathogenic for Atypical hemolytic-uremic syndrome. Last evaluated: 2025-10-02. Review status: criteria provided, single submitter. Criteria: Genomenon Sequence Variant Interpretation Standards. Collection method: curation. Allele origin: germline. Affected: yes.
Comment: CD46 p.Met1? (c.2T>A) is a variant that disrupts the initiation codon leading to an altered or absent protein product. This variant has been observed in at least one proband affected with atypical hemolytic-uremic syndrome (PMID:21706448). The variant was found to segregate with disease in at least one affected family (PMID:21706448). It is absent or not present at a significant frequency in gnomAD. In conclusion, we classify CD46 p.Met1? (c.2T>A) as likely pathogenic variant.

Literature cited by the submitters: PubMed 21706448.